The following is an entry in ClinVar:

ClinVar aggregate classification (germline): Uncertain significance (1 of 4 stars; one submission).

Conditions:
Tuberous sclerosis 2 (TSC2). Identifiers: Orphanet 805, MedGen C1860707, MONDO:0013199, OMIM 613254.

Submission:

Labcorp Genetics (formerly Invitae), Labcorp
Classification: Uncertain significance for Tuberous sclerosis 2. Last evaluated: 2023-06-16. Review status: criteria provided, single submitter. Criteria: Invitae Variant Classification Sherloc (09022015). Collection method: clinical testing. Allele origin: germline.
Comment: This variant is not present in population databases (gnomAD no frequency). This sequence change replaces lysine, which is basic and polar, with threonine, which is neutral and polar, at codon 1544 of the TSC2 protein (p.Lys1544Thr). This variant has not been reported in the literature in individuals affected with TSC2-related conditions. In summary, the available evidence is currently insufficient to determine the role of this variant in disease. Therefore, it has been classified as a Variant of Uncertain Significance. Advanced modeling of protein sequence and biophysical properties (such as structural, functional, and spatial information, amino acid conservation, physicochemical variation, residue mobility, and thermodynamic stability) has been performed at Invitae for this missense variant, however the output from this modeling did not meet the statistical confidence thresholds required to predict the impact of this variant on TSC2 protein function.

NM_000548.5(TSC2):c.4631A>C (p.Lys1544Thr)

Gene: TSC2 (TSC complex subunit 2; plus strand). Cytogenetic location: 16p13.3.
Variant type: single nucleotide variant.
Coding change: c.4631A>C on transcript NM_000548.5 (MANE Select); coding-DNA position 4631, A replaced by C.
Protein change: p.Lys1544Thr; replaces lysine 1544 with threonine.
Molecular consequence: missense variant. On other transcripts: non-coding transcript variant (5).
Genome position (GRCh38, 1-based): chr16:2,085,291, A>C. VCF-style: chr16-2085291-A-C. GRCh37 (hg19) VCF-style: chr16-2135292-A-C.
Other names: c.3089A>C, p.Lys1030Thr (NM_001406694.1, NM_001406692.1, NM_001406693.1); c.3086A>C, p.Lys1029Thr (NM_001406695.1, NM_001406696.1, NM_001406697.1); c.2828A>C, p.Lys943Thr (NM_001406698.1); c.4502A>C, p.Lys1501Thr (NM_021055.3, NM_001370405.1); c.4430A>C, p.Lys1477Thr (NM_001077183.3); c.4562A>C, p.Lys1521Thr (NM_001114382.3); c.4322A>C, p.Lys1441Thr (NM_001318827.2); c.4286A>C, p.Lys1429Thr (NM_001318829.2); and 26 more; short protein forms K1029T, K1052T, K1277T, K1321T, K1472T, K1473T, K1478T, K1484T.
Identifiers: ClinVar variation 2717127 (VCV002717127.3), dbSNP rs2090629229, ClinGen allele CA394304864.